The following is an entry in ClinVar:

ClinVar aggregate classification (germline): Pathogenic (1 of 4 stars; one submission).

Submission:

GeneDx
Classification: Pathogenic. Last evaluated: 2019-12-11. Review status: criteria provided, single submitter. Criteria: GeneDx Variant Classification Process June 2021. Collection method: clinical testing. Allele origin: germline. Affected: yes.
Comment: Frameshift variant predicted to result in protein truncation or nonsense mediated decay in a gene for which loss-of-function is a known mechanism of disease; Not observed in large population cohorts (Lek et al., 2016); Has not been previously published as pathogenic or benign to our knowledge

NM_000368.5(TSC1):c.2487_2490del (p.Ser829fs)

Gene: TSC1 (TSC complex subunit 1; minus strand). Cytogenetic location: 9q34.13.
Variant type: Microsatellite.
Coding change: c.2487_2490del on transcript NM_000368.5 (MANE Select); coding-DNA positions 2487 to 2490, 4 bases deleted (TCAG; older notation c.2487_2490delTCAG).
Protein change: p.Ser829fs; shifts the reading frame from serine 829.
Molecular consequence: frameshift variant.
Genome position (GRCh38, 1-based): chr9:132,901,601-132,901,604, CTGA deleted on the plus strand (TCAG on the coding strand, the reverse complement: TSC1 is on the minus strand); deleting any 4 consecutive bases within chr9:132,901,601-132,901,608 gives the same sequence; the c. name uses the placement nearest the transcript's 3' end. VCF-style (leftmost placement, unchanged base first): chr9-132901600-CCTGA-C. GRCh37 (hg19) VCF-style: chr9-135776987-CCTGA-C.
Other names: c.2487_2490delTCAG (NM_000368.4); c.2334_2337del, p.Ser778fs (NM_001162427.2); c.2124_2127del, p.Ser708fs (NM_001362177.2); c.2484_2487del, p.Ser828fs (NM_001162426.2); short protein forms S708fs, S778fs, S828fs, S829fs.
Identifiers: ClinVar variation 265690 (VCV000265690.3), dbSNP rs886039735, ClinGen allele CA10588470.